The following is an entry in ClinVar:

NM_006766.5(KAT6A):c.1229T>C (p.Ile410Thr)

Gene: KAT6A (lysine acetyltransferase 6A; minus strand). Cytogenetic location: 8p11.21.
Variant type: single nucleotide variant.
Coding change: c.1229T>C on transcript NM_006766.5 (MANE Select); coding-DNA position 1229, T replaced by C.
Protein change: p.Ile410Thr; replaces isoleucine 410 with threonine.
Molecular consequence: missense variant.
Genome position (GRCh38, 1-based): chr8:41,977,142, A>G on the plus strand (T>C on the coding strand, the complement: KAT6A is on the minus strand). VCF-style: chr8-41977142-A-G. GRCh37 (hg19) VCF-style: chr8-41834660-A-G.
Other names: c.1229T>C, p.Ile410Thr (NM_001305878.2); short protein forms I410T.
Identifiers: ClinVar variation 2658578 (VCV002658578.24), dbSNP rs765765540, ClinGen allele CA4730216.

ClinVar aggregate classification (germline): Uncertain significance (1 of 4 stars; one submission).

Allele frequency attached by ClinVar (database versions not stated): ExAC 0.00001.

Submission:

CeGaT Center for Human Genetics Tuebingen
Classification: Uncertain significance. Last evaluated: 2023-05-01. Review status: criteria provided, single submitter. Criteria: CeGaT Center For Human Genetics Tuebingen Variant Classification Criteria Version 2. Collection method: clinical testing. Allele origin: germline. Affected: yes. Observed: 1 variant allele.
Comment: KAT6A: PM2, PP3